The following is an entry in ClinVar:

NM_000152.5(GAA):c.2109C>A (p.Tyr703Ter)

Gene: GAA (alpha glucosidase; plus strand). Cytogenetic location: 17q25.3.
Variant type: single nucleotide variant.
Coding change: c.2109C>A on transcript NM_000152.5 (MANE Select); coding-DNA position 2109, C replaced by A.
Protein change: p.Tyr703Ter; replaces tyrosine 703 with a stop codon.
Molecular consequence: nonsense.
Genome position (GRCh38, 1-based): chr17:80,113,286, C>A. VCF-style: chr17-80113286-C-A. GRCh37 (hg19) VCF-style: chr17-78087085-C-A.
Other names: c.2109C>A, p.Tyr703Ter (NM_001079803.3, NM_001079804.3); short protein forms Y703*.
Identifiers: ClinVar variation 1455954 (VCV001455954.8), dbSNP rs150728610, ClinGen allele CA401370510.

ClinVar aggregate classification (germline): Pathogenic (1 of 4 stars; one submission).

Conditions:
Glycogen storage disease, type II (IOPD). Also called: Glucosidase acid-1,4-alpha deficiency; GLYCOGENOSIS, GENERALIZED, CARDIAC FORM; GSD II; POMPE DISEASE, INFANTILE-ONSET; Pompe Disease; Glycogen storage disease type 2. Identifiers: Orphanet 365, MedGen C0017921, MONDO:0009290, OMIM 232300.

Submission:

Labcorp Genetics (formerly Invitae), Labcorp
Classification: Pathogenic for Glycogen storage disease, type II. Last evaluated: 2021-05-13. Review status: criteria provided, single submitter. Criteria: Invitae Variant Classification Sherloc (09022015). Collection method: clinical testing. Allele origin: germline.
Comment: For these reasons, this variant has been classified as Pathogenic. Algorithms developed to predict the effect of sequence changes on RNA splicing suggest that this variant may create or strengthen a splice site, but this prediction has not been confirmed by published transcriptional studies. This nonsense change has been observed in individual(s) with Pompe disease (PMID: 30155607). This sequence change creates a premature translational stop signal (p.Tyr703*) in the GAA gene. It is expected to result in an absent or disrupted protein product. Loss-of-function variants in GAA are known to be pathogenic (PMID: 18425781, 22252923). This variant is not present in population databases (ExAC no frequency).

Literature cited by the submitters: PubMed 30155607; PubMed 18425781; PubMed 22252923.